The following is an entry in ClinVar:

NM_001379500.1(COL18A1):c.1507G>A (p.Gly503Ser)

Gene: COL18A1 (collagen type XVIII alpha 1 chain; plus strand). Cytogenetic location: 21q22.3.
Variant type: single nucleotide variant.
Coding change: c.1507G>A on transcript NM_001379500.1 (MANE Select); coding-DNA position 1507, G replaced by A.
Protein change: p.Gly503Ser; replaces glycine 503 with serine.
Molecular consequence: missense variant.
Genome position (GRCh38, 1-based): chr21:45,480,754, G>A. VCF-style: chr21-45480754-G-A. GRCh37 (hg19) VCF-style: chr21-46900668-G-A.
Other names: NM_130445.2:c.1507G>A; NM_001379500.1(COL18A1):c.1507G>A; p.Gly503Ser; c.2047G>A, p.Gly683Ser (NM_030582.4); c.2752G>A, p.Gly918Ser (NM_130444.3); short protein forms G683S, G918S.
Identifiers: ClinVar variation 340223 (VCV000340223.11), dbSNP rs368194132, ClinGen allele CA10066371.

ClinVar aggregate classification (germline): Uncertain significance. Review status: criteria provided, multiple submitters, no conflicts (2 of 4 stars). 4 submissions from 4 submitters: Uncertain significance (4). Last evaluated 2025-11-17.

Conditions:
Inborn genetic diseases. Identifiers: MedGen C0950123, MeSH D030342.
Knobloch syndrome (KNO). Also called: RETINAL DETACHMENT AND OCCIPITAL ENCEPHALOCELE; Myopia retinal detachment encephalocele. Identifiers: Orphanet 1571, MedGen C1849409, MONDO:0800166.
Ocular motility disease. Identifiers: MedGen C0028850, MONDO:0001584.

Allele frequency attached by ClinVar (database versions not stated): gnomAD 0.00001 and 0.00002; TOPMed 0.00003; ExAC 0.00004; gnomAD exomes 0.00005 and 0.00008; ESP Exome Variant Server 0.00008; 1000 Genomes Project 30x 0.00016; 1000 Genomes Project 0.00020.
gnomAD v4.1: 116 of 1,610,750 alleles (0.0072%); highest among the groups gnomAD compares: South Asian, 0.013%; no homozygotes.

Submissions (4):

Labcorp Genetics (formerly Invitae), Labcorp
Classification: Uncertain significance. Last evaluated: 2025-11-17. Review status: criteria provided, single submitter. Criteria: Invitae Variant Classification Sherloc (09022015). Collection method: clinical testing. Allele origin: germline.
Comment: This sequence change replaces glycine, which is neutral and non-polar, with serine, which is neutral and polar, at codon 503 of the COL18A1 protein (p.Gly503Ser). This variant is present in population databases (rs368194132, gnomAD 0.01%). This variant has not been reported in the literature in individuals affected with COL18A1-related conditions. ClinVar contains an entry for this variant (Variation ID: 340223). Experimental studies and prediction algorithms are not available or were not evaluated, and the functional significance of this variant is currently unknown. In summary, the available evidence is currently insufficient to determine the role of this variant in disease. Therefore, it has been classified as a Variant of Uncertain Significance.

Ambry Genetics
Classification: Uncertain significance for Inborn genetic diseases. Last evaluated: 2025-11-13. Review status: criteria provided, single submitter. Criteria: Ambry Variant Classification Scheme 2023. Collection method: clinical testing. Allele origin: germline.

Broad Center for Mendelian Genomics, Broad Institute of MIT and Harvard
Classification: Uncertain significance for Ocular motility disease. Last evaluated: 2025-07-15. Review status: criteria provided, single submitter. Criteria: ACMG Guidelines, 2015. Collection method: curation. Allele origin: germline. Inheritance: Autosomal recessive inheritance. Study: GREGoR Consortium.
Comment: We believe this is a possible phenotype expansion for ocular motility disease. Given the limited information about this phenotype expansion, the significance of the p.Gly503Ser variant is uncertain.

Illumina Laboratory Services, Illumina
Classification: Uncertain significance for Knobloch syndrome 1. Last evaluated: 2018-01-13. Review status: criteria provided, single submitter. Criteria: ICSL Variant Classification Criteria 13 December 2019. Collection method: clinical testing. Allele origin: germline.